The following is an entry in ClinVar:

ClinVar aggregate classification (germline): Conflicting classifications of pathogenicity. Review status: criteria provided, conflicting classifications (1 of 4 stars). 3 submissions from 3 submitters: Likely pathogenic (1); Uncertain significance (2). Last evaluated 2024-08-19.

Conditions:
Retinitis pigmentosa 12 (RP12). Also called: RP WITH OR WITHOUT PPRPE; RP WITH OR WITHOUT PRESERVED PARAARTERIOLE RETINAL PIGMENT EPITHELIUM; RETINITIS PIGMENTOSA WITH OR WITHOUT PARAARTERIOLAR PRESERVATION OF RETINAL PIGMENT EPITHELIUM. Identifiers: Orphanet 791, MedGen C1838647, MONDO:0010818, OMIM 600105.
Leber congenital amaurosis 8 (LCA8). Identifiers: Orphanet 65, MedGen C3151202, MONDO:0013453, OMIM 613835.

gnomAD v4.1: 4 of 1,614,210 alleles (0.00025%); highest among the groups gnomAD compares: Non-Finnish European, 0.00034%; no homozygotes.

Submissions (3):

GeneDx
Classification: Likely pathogenic. Last evaluated: 2024-08-19. Review status: criteria provided, single submitter. Criteria: GeneDx Variant Classification Process June 2021. Collection method: clinical testing. Allele origin: germline. Affected: yes.
Comment: Observed with a second CRB1 variant, phase unknown, in a patient with early onset severe retinal dystrophy/Leber congenital amaurosis in published literature (PMID: 38461945); In silico analysis supports that this missense variant has a deleterious effect on protein structure/function; In silico analysis, which includes splice predictors and evolutionary conservation, suggests this variant may impact gene splicing. In the absence of RNA/functional studies, the actual effect of this sequence change is unknown.; Not observed at significant frequency in large population cohorts (gnomAD); This variant is associated with the following publications: (PMID: 38461945)

Labcorp Genetics (formerly Invitae), Labcorp
Classification: Uncertain significance for Leber congenital amaurosis 8; Retinitis pigmentosa 12. Last evaluated: 2022-06-25. Review status: criteria provided, single submitter. Criteria: Invitae Variant Classification Sherloc (09022015). Collection method: clinical testing. Allele origin: germline.
Comment: In summary, the available evidence is currently insufficient to determine the role of this variant in disease. Therefore, it has been classified as a Variant of Uncertain Significance. This sequence change replaces cysteine, which is neutral and slightly polar, with phenylalanine, which is neutral and non-polar, at codon 172 of the CRB1 protein (p.Cys172Phe). This variant is not present in population databases (gnomAD no frequency). This missense change has been observed in individual(s) with clinical features of retinitis pigmentosa (Invitae). Advanced modeling of protein sequence and biophysical properties (such as structural, functional, and spatial information, amino acid conservation, physicochemical variation, residue mobility, and thermodynamic stability) performed at Invitae indicates that this missense variant is expected to disrupt CRB1 protein function. Algorithms developed to predict the effect of sequence changes on RNA splicing suggest that this variant may create or strengthen a splice site.

Blueprint Genetics
Classification: Uncertain significance. Last evaluated: 2021-05-14. Review status: criteria provided, single submitter. Criteria: ACMG Guidelines, 2015. Collection method: clinical testing. Allele origin: germline.

NM_201253.3(CRB1):c.515G>T (p.Cys172Phe)

Gene: CRB1 (crumbs cell polarity complex component 1; plus strand). Cytogenetic location: 1q31.3.
Variant type: single nucleotide variant.
Coding change: c.515G>T on transcript NM_201253.3 (MANE Select); coding-DNA position 515, G replaced by T.
Protein change: p.Cys172Phe; replaces cysteine 172 with phenylalanine.
Molecular consequence: missense variant. On other transcripts: non-coding transcript variant (2).
Genome position (GRCh38, 1-based): chr1:197,328,866, G>T. VCF-style: chr1-197328866-G-T. GRCh37 (hg19) VCF-style: chr1-197297996-G-T.
Other names: c.515G>T (NM_201253.2); c.515G>T, p.Cys172Phe (NM_001193640.2, NM_001257966.2); c.308G>T, p.Cys103Phe (NM_001257965.2); short protein forms C172F, C103F.
Identifiers: ClinVar variation 1470985 (VCV001470985.9), dbSNP rs756931963, ClinGen allele CA344085938.